The following is an entry in ClinVar:

NM_004646.4(NPHS1):c.2805del (p.Val936fs)

Gene: NPHS1 (NPHS1 adhesion molecule, nephrin; minus strand). Cytogenetic location: 19q13.12.
Variant type: Deletion.
Coding change: c.2805del on transcript NM_004646.4 (MANE Select); coding-DNA position 2805, one base deleted (T; older notation c.2805delT).
Protein change: p.Val936fs; shifts the reading frame from valine 936.
Molecular consequence: frameshift variant.
Genome position (GRCh38, 1-based): chr19:35,841,725, A deleted on the plus strand (T on the coding strand, the reverse complement: NPHS1 is on the minus strand); the first of 2 consecutive A bases (chr19:35,841,725-35,841,726); deleting either gives the same sequence. VCF-style (leftmost placement, unchanged base first): chr19-35841724-CA-C. GRCh37 (hg19) VCF-style: chr19-36332626-CA-C.
Other names: short protein forms V936fs.
Identifiers: ClinVar variation 2744508 (VCV002744508.3), dbSNP rs2513768304, ClinGen allele CA2584602116.

ClinVar aggregate classification (germline): Pathogenic (1 of 4 stars; one submission).

Submission:

Labcorp Genetics (formerly Invitae), Labcorp
Classification: Pathogenic. Last evaluated: 2023-07-17. Review status: criteria provided, single submitter. Criteria: Invitae Variant Classification Sherloc (09022015). Collection method: clinical testing. Allele origin: germline.
Comment: For these reasons, this variant has been classified as Pathogenic. Algorithms developed to predict the effect of sequence changes on RNA splicing suggest that this variant may disrupt the consensus splice site. This variant has not been reported in the literature in individuals affected with NPHS1-related conditions. This variant is not present in population databases (gnomAD no frequency). This sequence change creates a premature translational stop signal (p.Val936Serfs*12) in the NPHS1 gene. It is expected to result in an absent or disrupted protein product. Loss-of-function variants in NPHS1 are known to be pathogenic (PMID: 11317351, 11854170, 12039988).

Literature cited by the submitters: PubMed 11317351; PubMed 11854170; PubMed 12039988.